The following is an entry in ClinVar:

NM_002609.4(PDGFRB):c.1870C>T (p.His624Tyr)

Gene: PDGFRB (platelet derived growth factor receptor beta; minus strand). Cytogenetic location: 5q32.
Variant type: single nucleotide variant.
Coding change: c.1870C>T on transcript NM_002609.4 (MANE Select); coding-DNA position 1870, C replaced by T.
Protein change: p.His624Tyr; replaces histidine 624 with tyrosine.
Molecular consequence: missense variant.
Genome position (GRCh38, 1-based): chr5:150,124,769, G>A on the plus strand (C>T on the coding strand, the complement: PDGFRB is on the minus strand). VCF-style: chr5-150124769-G-A. GRCh37 (hg19) VCF-style: chr5-149504332-G-A.
Other names: c.1678C>T, p.His560Tyr (NM_001355016.2); c.1387C>T, p.His463Tyr (NM_001355017.2); short protein forms H463Y, H560Y, H624Y.
Identifiers: ClinVar variation 3756984 (VCV003756984.2).

ClinVar aggregate classification (germline): Uncertain significance (1 of 4 stars; one submission).

Conditions:
Skeletal overgrowth-craniofacial dysmorphism-hyperelastic skin-white matter lesions syndrome. Also called: SKELETAL OVERGROWTH WITH FACIAL DYSMORPHISM, HYPERELASTIC SKIN, WHITE MATTER LESIONS, AND NEUROLOGIC DETERIORATION; Kosaki overgrowth syndrome. Identifiers: Orphanet 477831, MedGen C4225270, MONDO:0014704, OMIM 616592.
Infantile myofibromatosis (IMF). Also called: Congenital generalized fibromatosis. Identifiers: Orphanet 2591, MedGen C0432284, MONDO:0016824.
Basal ganglia calcification, idiopathic, 4 (PFBC4). Also called: Familial Idiopathic Basal Ganglia Calcification 4; PRIMARY FAMILIAL BRAIN CALCIFICATION 4, AUTOSOMAL DOMINANT. Identifiers: Orphanet 1980, MedGen C3554321, MONDO:0014004, OMIM 615007.
Acroosteolysis-keloid-like lesions-premature aging syndrome. Also called: Premature aging syndrome, Penttinen type; Prematurely aged appearance, delayed bone maturation, acro-osteolysis, and brachydactyly; Progeroid syndrome, Penttinen type. Identifiers: Orphanet 363665, MedGen C1866182, MONDO:0011150, OMIM 601812.

Submission:

Labcorp Genetics (formerly Invitae), Labcorp
Classification: Uncertain significance for Basal ganglia calcification, idiopathic, 4; Skeletal overgrowth-craniofacial dysmorphism-hyperelastic skin-white matter lesions syndrome; Infantile myofibromatosis; Acroosteolysis-keloid-like lesions-premature aging syndrome. Last evaluated: 2024-06-26. Review status: criteria provided, single submitter. Criteria: Invitae Variant Classification Sherloc (09022015). Collection method: clinical testing. Allele origin: germline.
Comment: This sequence change replaces histidine, which is basic and polar, with tyrosine, which is neutral and polar, at codon 624 of the PDGFRB protein (p.His624Tyr). This variant is not present in population databases (gnomAD no frequency). This variant has not been reported in the literature in individuals affected with PDGFRB-related conditions. Advanced modeling of protein sequence and biophysical properties (such as structural, functional, and spatial information, amino acid conservation, physicochemical variation, residue mobility, and thermodynamic stability) performed at Invitae indicates that this missense variant is not expected to disrupt PDGFRB protein function with a negative predictive value of 80%. In summary, the available evidence is currently insufficient to determine the role of this variant in disease. Therefore, it has been classified as a Variant of Uncertain Significance.